The following is an entry in ClinVar:

ClinVar aggregate classification (germline): Uncertain significance. Review status: criteria provided, multiple submitters, no conflicts (2 of 4 stars). 3 submissions from 2 submitters: Uncertain significance (3). Last evaluated 2024-06-05.

Conditions:
Leber congenital amaurosis 11 (LCA11). Identifiers: Orphanet 65, MedGen C1840284, MONDO:0013454, OMIM 613837.
Retinitis pigmentosa (RP). Identifiers: Orphanet 791, MedGen C0035334, MeSH D012174, MONDO:0019200, OMIM 268000. Inheritance: Autosomal dominant, autosomal recessive and X linked inheritance.

Allele frequency attached by ClinVar (database versions not stated): ExAC 0.00003; gnomAD exomes 0.00003 and 0.00004; TOPMed 0.00004; gnomAD 0.00006; ESP Exome Variant Server 0.00023.
gnomAD v4.1: 60 of 1,613,920 alleles (0.0037%); highest among the groups gnomAD compares: African/African-American, 0.008%; no homozygotes.

Submissions (3):

Labcorp Genetics (formerly Invitae), Labcorp
Classification: Uncertain significance. Last evaluated: 2024-06-05. Review status: criteria provided, single submitter. Criteria: Invitae Variant Classification Sherloc (09022015). Collection method: clinical testing. Allele origin: germline.
Comment: This sequence change replaces threonine, which is neutral and polar, with methionine, which is neutral and non-polar, at codon 148 of the IMPDH1 protein (p.Thr148Met). The frequency data for this variant in the population databases is considered unreliable, as metrics indicate poor data quality at this position in the gnomAD database. This variant has not been reported in the literature in individuals affected with IMPDH1-related conditions. ClinVar contains an entry for this variant (Variation ID: 857776). An algorithm developed to predict the effect of missense changes on protein structure and function (PolyPhen-2) suggests that this variant is likely to be disruptive. In summary, the available evidence is currently insufficient to determine the role of this variant in disease. Therefore, it has been classified as a Variant of Uncertain Significance.

Illumina Laboratory Services, Illumina
Classification: Uncertain significance for Retinitis pigmentosa. Last evaluated: 2018-01-13. Review status: criteria provided, single submitter. Criteria: ICSL Variant Classification Criteria 13 December 2019. Collection method: clinical testing. Allele origin: germline.

Illumina Laboratory Services, Illumina
Classification: Uncertain significance for Leber congenital amaurosis 11. Last evaluated: 2018-01-13. Review status: criteria provided, single submitter. Criteria: ICSL Variant Classification Criteria 13 December 2019. Collection method: clinical testing. Allele origin: germline.

NM_000883.4(IMPDH1):c.443C>T (p.Thr148Met)

Gene: IMPDH1 (inosine monophosphate dehydrogenase 1; minus strand). Cytogenetic location: 7q32.1.
Variant type: single nucleotide variant.
Coding change: c.443C>T on transcript NM_000883.4 (MANE Select); coding-DNA position 443, C replaced by T.
Protein change: p.Thr148Met; replaces threonine 148 with methionine.
Molecular consequence: missense variant.
Genome position (GRCh38, 1-based): chr7:128,401,076, G>A on the plus strand (C>T on the coding strand, the complement: IMPDH1 is on the minus strand). VCF-style: chr7-128401076-G-A. GRCh37 (hg19) VCF-style: chr7-128041130-G-A.
Other names: c.413C>T, p.Thr138Met (NM_001102605.2); c.188C>T, p.Thr63Met (NM_001142573.2, NM_001142574.2, NM_001142575.2); c.344C>T, p.Thr115Met (NM_001142576.2); c.236C>T, p.Thr79Met (NM_001304521.2); c.335C>T, p.Thr112Met (NM_183243.3); short protein forms T115M, T148M, T112M, T138M, T63M, T79M.
Identifiers: ClinVar variation 857776 (VCV000857776.13), dbSNP rs150278198, ClinGen allele CA4471158.
Genomic context (GRCh38, chr7:128,401,076, plus strand): 5'-GCCATGGCAATGGCCATGTCAGCCTCTGTCACAGTGTCCATGGGGGAGGAGATCAGTGGC[G>A]TCTTCAGCGTGATCTTCCGGGTCAGGGCTGAGGTCAGGTCCTGAGGATGGAGGCACAGCC-3'
Protein context (NP_000874.2, residues 138-158): SALTRKITLK[Thr148Met]PLISSPMDTV